The following is an entry in ClinVar:

NM_014003.4(DHX38):c.836A>G (p.Asp279Gly)

Gene: DHX38 (DEAH-box helicase 38; plus strand). Cytogenetic location: 16q22.2.
Variant type: single nucleotide variant.
Coding change: c.836A>G on transcript NM_014003.4 (MANE Select); coding-DNA position 836, A replaced by G.
Protein change: p.Asp279Gly; replaces aspartic acid 279 with glycine.
Molecular consequence: missense variant.
Genome position (GRCh38, 1-based): chr16:72,098,998, A>G. VCF-style: chr16-72098998-A-G. GRCh37 (hg19) VCF-style: chr16-72132897-A-G.
Other names: short protein forms D279G.
Identifiers: ClinVar variation 1498832 (VCV001498832.8), dbSNP rs2144138394, ClinGen allele CA396703474.
Genomic context (GRCh38, chr16:72,098,998, plus strand): 5'-GCAAGTACTCGGATGACACGCCTCTGCCAACTCCCTCCTACAAATATAACGAGTGGGCCG[A>G]TGACAGAAGACACTTGGGGTCCACCCCGCGTCTGTCCAGGGGCCGAGGTGAGGCCTGTGG-3'
Protein context (NP_054722.2, residues 269-289): TPSYKYNEWA[Asp279Gly]DRRHLGSTPR

ClinVar aggregate classification (germline): Uncertain significance (1 of 4 stars; one submission).

Submission:

Labcorp Genetics (formerly Invitae), Labcorp
Classification: Uncertain significance. Last evaluated: 2022-06-13. Review status: criteria provided, single submitter. Criteria: Invitae Variant Classification Sherloc (09022015). Collection method: clinical testing. Allele origin: germline.
Comment: In summary, the available evidence is currently insufficient to determine the role of this variant in disease. Therefore, it has been classified as a Variant of Uncertain Significance. Algorithms developed to predict the effect of sequence changes on RNA splicing suggest that this variant may create or strengthen a splice site. Algorithms developed to predict the effect of missense changes on protein structure and function (SIFT, PolyPhen-2, Align-GVGD) all suggest that this variant is likely to be tolerated. This variant has not been reported in the literature in individuals affected with DHX38-related conditions. This variant is not present in population databases (gnomAD no frequency). This sequence change replaces aspartic acid, which is acidic and polar, with glycine, which is neutral and non-polar, at codon 279 of the DHX38 protein (p.Asp279Gly).